The following is an entry in ClinVar:

ClinVar aggregate classification (germline): Likely benign (1 of 4 stars; one submission).

Allele frequency attached by ClinVar (database versions not stated): ExAC 0.00004; gnomAD 0.00005; gnomAD exomes 0.00005; TOPMed 0.00005; 1000 Genomes Project 30x 0.00016; 1000 Genomes Project 0.00020; ESP Exome Variant Server 0.00024.
gnomAD v4.1: 79 of 1,613,666 alleles (0.0049%); highest among the groups gnomAD compares: East Asian, 0.022%; no homozygotes.

Submission:

CeGaT Center for Human Genetics Tuebingen
Classification: Likely benign. Last evaluated: 2024-03-01. Review status: criteria provided, single submitter. Criteria: CeGaT Center For Human Genetics Tuebingen Variant Classification Criteria Version 2. Collection method: clinical testing. Allele origin: germline. Affected: yes. Observed: 1 variant allele.
Comment: CADPS2: BP4, BP7

NM_017954.11(CADPS2):c.2982G>A (p.Ser994=)

Gene: CADPS2 (calcium dependent secretion activator 2; minus strand). Cytogenetic location: 7q31.32.
Variant type: single nucleotide variant.
Coding change: c.2982G>A on transcript NM_017954.11 (MANE Select); coding-DNA position 2982, G replaced by A.
Protein change: p.Ser994=; no amino-acid change (serine 994 retained).
Molecular consequence: synonymous variant. On other transcripts: intron variant (9).
Genome position (GRCh38, 1-based): chr7:122,393,222, C>T on the plus strand (G>A on the coding strand, the complement: CADPS2 is on the minus strand). VCF-style: chr7-122393222-C-T. GRCh37 (hg19) VCF-style: chr7-122033276-C-T.
Other names: c.2994G>A, p.Ser998= (NM_001167940.2, NM_001363391.2); c.3003G>A, p.Ser1001= (NM_001363389.2, NM_001363390.2); c.2520G>A, p.Ser840= (NM_001363399.2); c.2870+219G>A (NM_001363398.2, NM_001009571.4); c.2891+219G>A (NM_001363395.2); c.2879+219G>A (NM_001363397.2); c.2888+219G>A (NM_001363396.2); c.2900+219G>A (NM_001363394.2); and 2 more.
Identifiers: ClinVar variation 3067489 (VCV003067489.21), dbSNP rs376397626, ClinGen allele CA4459344.
Genomic context (GRCh38, chr7:122,393,222, plus strand): 5'-ACACACCACCAGGAAATAAGTGAGGAATACACACGTGGACTCATATAAAGAAGGCATCCA[C>T]GAAGCAGTAGAAATGTTAGGAATCTGTGGAAGATTAAGAGGCAGACTTGGAACTTTTGGA-3'
Protein context (NP_060424.9, residues 984-1004): LPQIPNISTA[Ser994=]WMPSLYESTN